The following is an entry in ClinVar:

NM_022455.5(NSD1):c.4417C>T (p.Arg1473Ter)

Gene: NSD1 (nuclear receptor binding SET domain protein 1; plus strand). Cytogenetic location: 5q35.3.
Variant type: single nucleotide variant.
Coding change: c.4417C>T on transcript NM_022455.5 (MANE Select); coding-DNA position 4417, C replaced by T.
Protein change: p.Arg1473Ter; replaces arginine 1473 with a stop codon.
Molecular consequence: nonsense.
Genome position (GRCh38, 1-based): chr5:177,246,716, C>T. VCF-style: chr5-177246716-C-T. GRCh37 (hg19) VCF-style: chr5-176673717-C-T.
Other names: c.3664C>T, p.Arg1222Ter (NM_001409305.1); c.3544C>T, p.Arg1182Ter (NM_001409306.1, NM_001409307.1, NM_001409308.1 and 3 more transcripts); c.4417C>T, p.Arg1473Ter (NM_001409301.1, NM_001409302.1, NM_001409303.1); c.3997C>T, p.Arg1333Ter (NM_001409304.1); short protein forms R1473*, R1204*, R1182*, R1333*, R1222*.
Identifiers: ClinVar variation 159331 (VCV000159331.21), dbSNP rs587784117, ClinGen allele CA294883.
Genomic context (GRCh38, chr5:177,246,716, plus strand): 5'-AACACCTATTTTCCTGTCATAGGCACTACCAAGATATTTGACAAGCCAAGGAAGCGAAAA[C>T]GACAGAGGCATGCTGCAGCCAAGATGCAGTGTAAAAAAGTGAAAAATGATGACTCGTCAA-3'

ClinVar aggregate classification (germline): Pathogenic. Review status: criteria provided, multiple submitters, no conflicts (2 of 4 stars). 9 submissions from 8 submitters: Pathogenic (8). 1 of the submissions does not count toward it. Last evaluated 2023-12-18.

Conditions:
Sotos syndrome (SOTOS). Also called: Distinctive facial appearance, overgrowth in childhood, and learning disabilities or delayed development; CEREBRAL GIGANTISM; Sotos' syndrome; CHROMOSOME 5q35 DELETION SYNDROME; SOTOS SYNDROME 1. Identifiers: Orphanet 821, MedGen C0175695, MONDO:0019349, OMIM 117550.
NSD1-related disorder. Also called: NSD1-related condition.
Inborn genetic diseases. Identifiers: MedGen C0950123, MeSH D030342.

Submissions (9):

Blueprint Genetics
Classification: Pathogenic for NSD1-related disorders. Last evaluated: 2023-12-18. Review status: criteria provided, single submitter. Criteria: ACMG Guidelines, 2015. Collection method: clinical testing. Allele origin: germline. Affected: yes. Observed: 2 variant alleles.

GeneDx
Classification: Pathogenic. Last evaluated: 2023-09-12. Review status: criteria provided, single submitter. Criteria: GeneDx Variant Classification Process June 2021. Collection method: clinical testing. Allele origin: germline. Affected: yes.
Comment: Nonsense variant predicted to result in protein truncation or nonsense mediated decay in a gene for which loss of function is a known mechanism of disease; Not observed in large population cohorts (gnomAD); This variant is associated with the following publications: (PMID: 25525159, 28991257, 16010675, 12464997, 28475857, 30952489, 32368696, 33084842)

PreventionGenetics, part of Exact Sciences
Classification: Pathogenic for NSD1-related condition. Last evaluated: 2022-11-17. Review status: criteria provided, single submitter. Criteria: ACMG Guidelines, 2015. Collection method: clinical testing. Allele origin: germline.
Comment: The NSD1 c.4417C>T variant is predicted to result in premature protein termination (p.Arg1473*). This variant has been reported in multiple individual with Sotos syndrome (see for example Douglas et al. 2003. PubMed ID: 12464997). This variant has not been reported in a large population database, indicating this variant is rare. Nonsense variants in NSD1 are expected to be pathogenic. This variant is interpreted as pathogenic.

Labcorp Genetics (formerly Invitae), Labcorp
Classification: Pathogenic. Last evaluated: 2022-03-28. Review status: criteria provided, single submitter. Criteria: Invitae Variant Classification Sherloc (09022015). Collection method: clinical testing. Allele origin: germline.
Comment: ClinVar contains an entry for this variant (Variation ID: 159331). This premature translational stop signal has been observed in individual(s) with NSD1-related conditions (PMID: 12464997, 28475857). In at least one individual the variant was observed to be de novo. This variant is not present in population databases (gnomAD no frequency). This sequence change creates a premature translational stop signal (p.Arg1473*) in the NSD1 gene. It is expected to result in an absent or disrupted protein product. Loss-of-function variants in NSD1 are known to be pathogenic (PMID: 12464997, 14571271, 15942875, 16247291). For these reasons, this variant has been classified as Pathogenic.

Pittsburgh Clinical Genomics Laboratory, University of Pittsburgh Medical Center
Classification: Pathogenic for Sotos syndrome. Last evaluated: 2022-03-18. Review status: criteria provided, single submitter. Criteria: ACMG Guidelines, 2015. Collection method: clinical testing. Allele origin: germline. Inheritance: Autosomal dominant inheritance. Affected: yes.
Comment: This sequence variant is a single nucleotide substitution (C>T) at position 4417 of the NSD1 gene that results in the generation of an early termition codon at residue 1473 of the NSD1 protein. This variant is predicted to result in a non-functiol allele through either the expression of a truncated protein or a loss of NSD1 expression due to nonsense mediated decay. This is a previously reported variant (ClinVar) that has been observed in multiple individiuals affected with Sotos Syndrome (PMID: 15942875). This variant is absent from control population datasets (gnomAD database 0/~250,000 alleles). Based upon the evidence, we consider this variant to be pathogenic. ACMG Criteria: PM2, PS2, PVS1

Genome-Nilou Lab
Classification: Pathogenic for Sotos syndrome. Last evaluated: 2021-07-15. Review status: criteria provided, single submitter. Criteria: ACMG Guidelines, 2015. Collection method: clinical testing. Allele origin: germline. Affected: no.

Ambry Genetics
Classification: Pathogenic for Inborn genetic diseases. Last evaluated: 2019-03-20. Review status: criteria provided, single submitter. Criteria: Ambry exome assertion method (8-5-2015). Collection method: clinical testing. Allele origin: germline. Affected: yes. Observed: 1 variant allele.

Genetic Services Laboratory, University of Chicago
Classification: Pathogenic for Sotos syndrome 1. Last evaluated: 2013-02-08. Review status: criteria provided, single submitter. Criteria: ACMG Guidelines, 2007. Collection method: clinical testing. Allele origin: germline. Inheritance: Autosomal dominant inheritance. Affected: yes.

Labcorp Genetics (formerly Invitae), Labcorp
Classification: Pathogenic. Last evaluated: 2022-03-28. Review status: flagged submission. Criteria: Invitae Variant Classification Sherloc (09022015). Collection method: clinical testing. Allele origin: germline. Not counted in ClinVar's aggregate classification.
Comment: This sequence change creates a premature translational stop signal (p.Arg1473*) in the NSD1 gene. It is expected to result in an absent or disrupted protein product. Loss-of-function variants in NSD1 are known to be pathogenic (PMID: 12464997, 14571271, 15942875, 16247291). This variant is not present in population databases (gnomAD no frequency). This premature translational stop signal has been observed in individual(s) with NSD1-related conditions (PMID: 12464997, 28475857). In at least one individual the variant was observed to be de novo. ClinVar contains an entry for this variant (Variation ID: 159331). For these reasons, this variant has been classified as Pathogenic.
ClinVar note: Reason: This record appears to be redundant with a more recent record from the same submitter.
ClinVar note: Notes: SCV001581799 appears to be redundant with SCV000749444.

Literature cited by the submitters: PubMed 12464997 (cited by Labcorp Genetics (formerly Invitae), Labcorp and Ambry Genetics); PubMed 28475857 (cited by Labcorp Genetics (formerly Invitae), Labcorp and Ambry Genetics); PubMed 14571271 (cited by Labcorp Genetics (formerly Invitae), Labcorp); PubMed 15942875 (cited by 3 submitters); PubMed 16247291 (cited by Labcorp Genetics (formerly Invitae), Labcorp).